The following is an entry in ClinVar:

ClinVar aggregate classification (germline): Uncertain significance. Review status: criteria provided, multiple submitters, no conflicts (2 of 4 stars). 2 submissions from 2 submitters: Uncertain significance (2). Last evaluated 2024-04-23.

Conditions:
Inborn genetic diseases. Identifiers: MedGen C0950123, MeSH D030342.
Cutis laxa with osteodystrophy (ARCL2A). Also called: Debré-Type Cutis Laxa; CUTIS LAXA WITH CONGENITAL DISORDER OF GLYCOSYLATION; CUTIS LAXA, AUTOSOMAL RECESSIVE, TYPE IIA; CUTIS LAXA WITH BONE DYSTROPHY; CUTIS LAXA WITH GROWTH AND DEVELOPMENTAL DELAY; CUTIS LAXA WITH JOINT LAXITY AND RETARDED DEVELOPMENT. Identifiers: Orphanet 357058, MedGen C0268355, MONDO:0018163, OMIM 219200. Disease mechanism: loss of function.
Wrinkly skin syndrome (WSS). Also called: Type of Gerodermia osteodysplastica. Identifiers: Orphanet 2834, MedGen C0406587, MONDO:0010208, OMIM 278250.
ALG9 congenital disorder of glycosylation (CDG1L). Also called: CONGENITAL DISORDER OF GLYCOSYLATION, TYPE Il; CDG Il; ALG9-CDG. Identifiers: Orphanet 79328, MedGen C2931006, MONDO:0012117, OMIM 608776.

Allele frequency attached by ClinVar (database versions not stated): ExAC 0.00001; gnomAD 0.00001; gnomAD exomes 0.00002.
gnomAD v4.1: 13 of 1,614,098 alleles (0.00081%); highest among the groups gnomAD compares: Non-Finnish European, 0.00025%; no homozygotes.

Submissions (2):

Ambry Genetics
Classification: Uncertain significance for Inborn genetic diseases. Last evaluated: 2024-04-23. Review status: criteria provided, single submitter. Criteria: Ambry Variant Classification Scheme 2023. Collection method: clinical testing. Allele origin: germline.

Labcorp Genetics (formerly Invitae), Labcorp
Classification: Uncertain significance for ALG9 congenital disorder of glycosylation. Last evaluated: 2023-05-15. Review status: criteria provided, single submitter. Criteria: Invitae Variant Classification Sherloc (09022015). Collection method: clinical testing. Allele origin: germline.
Comment: Advanced modeling of protein sequence and biophysical properties (such as structural, functional, and spatial information, amino acid conservation, physicochemical variation, residue mobility, and thermodynamic stability) performed at Invitae indicates that this missense variant is expected to disrupt ATP6V0A2 protein function. ClinVar contains an entry for this variant (Variation ID: 2186320). This variant has not been reported in the literature in individuals affected with ATP6V0A2-related conditions. This variant is present in population databases (rs373387853, gnomAD 0.02%). This sequence change replaces tyrosine, which is neutral and polar, with cysteine, which is neutral and slightly polar, at codon 386 of the ATP6V0A2 protein (p.Tyr386Cys). In summary, the available evidence is currently insufficient to determine the role of this variant in disease. Therefore, it has been classified as a Variant of Uncertain Significance.

NM_012463.4(ATP6V0A2):c.1157A>G (p.Tyr386Cys)

Gene: ATP6V0A2 (ATPase H+ transporting V0 subunit a2; plus strand). Cytogenetic location: 12q24.31.
Variant type: single nucleotide variant.
Coding change: c.1157A>G on transcript NM_012463.4 (MANE Select); coding-DNA position 1157, A replaced by G.
Protein change: p.Tyr386Cys; replaces tyrosine 386 with cysteine.
Molecular consequence: missense variant.
Genome position (GRCh38, 1-based): chr12:123,743,903, A>G. VCF-style: chr12-123743903-A-G. GRCh37 (hg19) VCF-style: chr12-124228450-A-G.
Other names: c.1157A>G (NM_012463.3); short protein forms Y386C.
Identifiers: ClinVar variation 2186320 (VCV002186320.6), dbSNP rs373387853, ClinGen allele CA6861857.